The following is an entry in ClinVar:

NM_000095.3(COMP):c.390+5G>T

Gene: COMP (cartilage oligomeric matrix protein; minus strand). Cytogenetic location: 19p13.11.
Variant type: single nucleotide variant.
Coding change: c.390+5G>T on transcript NM_000095.3 (MANE Select); 5 bases into the intron after coding-DNA position 390, G replaced by T.
Molecular consequence: intron variant.
Genome position (GRCh38, 1-based): chr19:18,789,937, C>A on the plus strand (G>T on the coding strand, the complement: COMP is on the minus strand). VCF-style: chr19-18789937-C-A. GRCh37 (hg19) VCF-style: chr19-18900746-C-A.
Identifiers: ClinVar variation 4535793 (VCV004535793.1).

ClinVar aggregate classification (germline): Uncertain significance (1 of 4 stars; one submission).

gnomAD v4.1: 12 of 1,592,276 alleles (0.00075%); highest among the groups gnomAD compares: Non-Finnish European, 0.00093%; no homozygotes.

Submission:

Women's Health and Genetics/Laboratory Corporation of America, LabCorp
Classification: Uncertain significance. Last evaluated: 2025-09-04. Review status: criteria provided, single submitter. Criteria: LabCorp Variant Classification Summary - May 2015. Collection method: clinical testing. Allele origin: germline.
Comment: Variant summary: COMP c.390+5G>T alters a nucleotide located close to a canonical splice site and therefore could affect mRNA splicing, leading to a significantly altered protein sequence. Several computational tools predict a significant impact on normal splicing: Two predict the variant abolishes a 5' splicing donor site. Two predict the variant weakens a 5' donor site. However, these predictions have yet to be confirmed by functional studies. The variant was absent in 215150 control chromosomes. The available data on variant occurrences in the general population are insufficient to allow any conclusion about variant significance. To our knowledge, no occurrence of c.390+5G>T in individuals affected with COMP-related conditions and no experimental evidence demonstrating its impact on protein function have been reported. No submitters have cited clinical-significance assessments for this variant to ClinVar. Based on the evidence outlined above, the variant was classified as uncertain significance.